The following is an entry in ClinVar:

NM_003640.5(ELP1):c.2217A>G (p.Lys739=)

Gene: ELP1 (elongator acetyltransferase complex subunit 1; minus strand). Cytogenetic location: 9q31.3.
Variant type: single nucleotide variant.
Coding change: c.2217A>G on transcript NM_003640.5 (MANE Select); coding-DNA position 2217, A replaced by G.
Protein change: p.Lys739=; no amino-acid change (lysine 739 retained).
Molecular consequence: synonymous variant.
Genome position (GRCh38, 1-based): chr9:108,898,737, T>C on the plus strand (A>G on the coding strand, the complement: ELP1 is on the minus strand). VCF-style: chr9-108898737-T-C. GRCh37 (hg19) VCF-style: chr9-111661017-T-C.
Other names: c.1875A>G, p.Lys625= (NM_001318360.2); c.1170A>G, p.Lys390= (NM_001330749.2); c.2217A>G (NM_003640.4).
Identifiers: ClinVar variation 499530 (VCV000499530.20), dbSNP rs139583037, ClinGen allele CA5174728.

ClinVar aggregate classification (germline): Conflicting classifications of pathogenicity. Review status: criteria provided, conflicting classifications (1 of 4 stars). 6 submissions from 6 submitters: Uncertain significance (1); Likely benign (4). 1 of the submissions does not count toward it. Last evaluated 2026-02-04.

Conditions:
ELP1-related disorder. Also called: ELP1-related condition.
Familial dysautonomia. Also called: FD; HSAN III. Identifiers: Orphanet 1764, MedGen C0013364, MONDO:0009131, OMIM 223900. Disease mechanism: loss of function.

Allele frequency attached by ClinVar (database versions not stated): gnomAD exomes 0.00003 and 0.00007; ExAC 0.00008; ESP Exome Variant Server 0.00031; gnomAD 0.00036 and 0.00038; TOPMed 0.00044; 1000 Genomes Project 0.00060; 1000 Genomes Project 30x 0.00062.
gnomAD v4.1: 103 of 1,609,740 alleles (0.0064%); highest among the groups gnomAD compares: African/African-American, 0.12%; no homozygotes.

Submissions (6):

Labcorp Genetics (formerly Invitae), Labcorp
Classification: Likely benign. Last evaluated: 2026-02-04. Review status: criteria provided, single submitter. Criteria: Invitae Variant Classification Sherloc (09022015). Collection method: clinical testing. Allele origin: germline.

PreventionGenetics, part of Exact Sciences
Classification: Likely benign for ELP1-related condition. Last evaluated: 2025-07-03. Review status: criteria provided, single submitter. Criteria: ACMG Guidelines, 2015. Collection method: clinical testing. Allele origin: germline.
Comment: This variant is classified as likely benign based on ACMG/AMP sequence variant interpretation guidelines (Richards et al. 2015 PMID: 25741868, with internal and published modifications).

Blueprint Genetics
Classification: Likely benign. Last evaluated: 2024-11-13. Review status: criteria provided, single submitter. Criteria: ACMG Guidelines, 2015. Collection method: clinical testing. Allele origin: germline.

Ambry Genetics
Classification: Likely benign. Last evaluated: 2023-10-23. Review status: criteria provided, single submitter. Criteria: Ambry Variant Classification Scheme 2023. Collection method: clinical testing. Allele origin: germline.

Eurofins Ntd Llc (ga)
Classification: Uncertain significance. Last evaluated: 2017-01-17. Review status: criteria provided, single submitter. Criteria: EGL Classification Definitions 2015. Collection method: clinical testing. Allele origin: germline. Observed: 1 variant allele, 1 heterozygote.

Natera, Inc.
Classification: Uncertain significance for Hereditary sensory and autonomic neuropathy type III. Last evaluated: 2020-01-24. Review status: no assertion criteria provided. Collection method: clinical testing. Allele origin: germline. Not counted in ClinVar's aggregate classification.